The following continues an entry in ClinVar:

NM_000169.3(GLA):c.334C>T (p.Arg112Cys)

ClinVar aggregate classification (germline): Pathogenic. Pathogenic (13).

Submissions 11 to 15 of 15:

GeneDx
Classification: Pathogenic. Last evaluated: 2020-10-28. Review status: criteria provided, single submitter. Criteria: GeneDx Variant Classification Process June 2021. Collection method: clinical testing. Allele origin: germline. Affected: yes.
Comment: Not observed in large population cohorts (Lek et al., 2016); Published functional studies functional studies have demonstrated that R112C results in reduced enzyme activity compared to the wild-type (Ishii et al., 1992; Yasuda et al., 2003; Lukas et al., 2013); In silico analysis supports that this missense variant has a deleterious effect on protein structure/function; This variant is associated with the following publications: (PMID: 30477121, 27657681, 28988177, 1315715, 23818648, 26018987, 27160240, 15776423, 23724928, 22551898, 17370152, 25974833, 18849176, 21333496, 7575533, 11668641, 20505683, 7911050, 12428061, 18023222, 10666480, 15712228, 28178158, 26047621, 25382311, 24386359, 23935525, 14635108, 21598360, 18205205, 19287194, 17532296)

Eurofins Ntd Llc (ga)
Classification: Pathogenic. Last evaluated: 2018-06-28. Review status: criteria provided, single submitter. Criteria: EGL ClinVar v180209 classification definitions. Collection method: clinical testing. Allele origin: germline. Observed: 8 variant alleles, 8 heterozygotes.

Women's Health and Genetics/Laboratory Corporation of America, LabCorp
Classification: Pathogenic for Fabry disease. Last evaluated: 2018-05-25. Review status: criteria provided, single submitter. Criteria: LabCorp Variant Classification Summary - May 2015. Collection method: clinical testing. Allele origin: germline.
Comment: Variant summary: GLA c.334C>T (p.Arg112Cys) results in a non-conservative amino acid change in the encoded protein sequence. Five of five in-silico tools predict a damaging effect of the variant on protein function. The variant was absent in 87742 control chromosomes (in ExAC). c.334C>T has been reported in the literature in multiple individuals affected with Fabry Disease, with (hemizygous) males being more severely affected than heterozygous women (e.g. Wilcox 2012, Shin 2008, Pieroni 2003). These data indicate that the variant is very likely to be associated with disease. Publications also reported experimental evidence evaluating an impact on protein function (Shin 2008, Pieroni 2003). The most pronounced variant effect results in <10% of normal activity in male patients (hemizygotes). Two clinical diagnostic laboratories have submitted clinical-significance assessments for this variant to ClinVar after 2014 and both classified the variant as pathogenic. Based on the evidence outlined above, the variant was classified as pathogenic.

Genome Diagnostics Laboratory, University Medical Center Utrecht
Classification: Pathogenic. Review status: no assertion criteria provided. Collection method: clinical testing. Allele origin: germline. Affected: yes. Study: VKGL Data-share Consensus. Not counted in ClinVar's aggregate classification.

Joint Genome Diagnostic Labs from Nijmegen and Maastricht, Radboudumc and MUMC+
Classification: Pathogenic. Review status: no assertion criteria provided. Collection method: clinical testing. Allele origin: germline. Affected: yes. Study: VKGL Data-share Consensus. Not counted in ClinVar's aggregate classification.

Literature cited by the submitters: PubMed 32719972 (cited by Genomenon, Inc); PubMed 16595074 (cited by Genomenon, Inc); PubMed 12175777 (cited by Genomenon, Inc and 3billion); PubMed 28736719 (cited by Genomenon, Inc); PubMed 29274327 (cited by Genomenon, Inc); PubMed 32843101 (cited by Genomenon, Inc); PubMed 39348817 (cited by Genomenon, Inc); PubMed 30386727 (cited by 3 submitters); PubMed 36383556 (cited by 3 submitters); PubMed 23867994 (cited by 3 submitters); PubMed 18297328 (cited by Genomenon, Inc); PubMed 36140787 (cited by 3 submitters); PubMed 12668521 (cited by 3 submitters); PubMed 18849176 (cited by Genomenon, Inc); PubMed 18437007 (cited by Genomenon, Inc); PubMed 32023956 (cited by Genomenon, Inc); PubMed 21598360 (cited by 6 submitters); PubMed 20505683 (cited by 4 submitters); PubMed 27657681 (cited by 4 submitters); PubMed 23935525 (cited by 5 submitters); PubMed 1315715 (cited by 5 submitters); PubMed 14635108 (cited by 5 submitters); PubMed 18205205 (cited by Labcorp Genetics (formerly Invitae), Labcorp and All of Us Research Program, National Institutes of Health); PubMed 19287194 (cited by 5 submitters); PubMed 11137837 (cited by Labcorp Genetics (formerly Invitae), Labcorp); PubMed 26456105 (cited by Labcorp Genetics (formerly Invitae), Labcorp); PubMed 7575533 (cited by Labcorp Genetics (formerly Invitae), Labcorp); PubMed 22874111 (cited by Labcorp Genetics (formerly Invitae), Labcorp); PubMed 10666480 (cited by 3billion); PubMed 15712228 (cited by 3billion); PubMed 19387866 (cited by 3billion); PubMed 17532296 (cited by 3billion and Ambry Genetics); PubMed 18698230 (cited by 3billion and Women's Health and Genetics/Laboratory Corporation of America, LabCorp); PubMed 12428061 (cited by 3 submitters); PubMed 22227322 (cited by Color Diagnostics, LLC DBA Color Health and Women's Health and Genetics/Laboratory Corporation of America, LabCorp); PubMed 26047621 (cited by 3 submitters); PubMed 31446751 (cited by Color Diagnostics, LLC DBA Color Health and Ambry Genetics); PubMed 32042454 (cited by Color Diagnostics, LLC DBA Color Health and Ambry Genetics); PubMed 35743707 (cited by Color Diagnostics, LLC DBA Color Health and All of Us Research Program, National Institutes of Health); PubMed 36873653 (cited by Color Diagnostics, LLC DBA Color Health and All of Us Research Program, National Institutes of Health); PubMed 8395937 (cited by Women's Health and Genetics/Laboratory Corporation of America, LabCorp).